The following is an entry in ClinVar:

ClinVar aggregate classification (germline): Uncertain significance. Review status: criteria provided, single submitter (1 of 4 stars). 2 submissions from 1 submitter: Uncertain significance (2). Last evaluated 2022-10-19.

Conditions:
Inborn genetic diseases. Identifiers: MedGen C0950123, MeSH D030342.
Hereditary cancer-predisposing syndrome. Also called: Hereditary Cancer Syndrome; Hereditary neoplastic syndrome; Tumor predisposition; Neoplastic Syndromes, Hereditary. Identifiers: Orphanet 140162, MedGen C0027672, MeSH D009386, MONDO:0015356.

Allele frequency attached by ClinVar (database versions not stated): ExAC 0.00002; TOPMed 0.00002; gnomAD 0.00003; gnomAD exomes 0.00003; 1000 Genomes Project 30x 0.00016; 1000 Genomes Project 0.00020.
gnomAD v4.1: 22 of 1,614,124 alleles (0.0014%); highest among the groups gnomAD compares: Admixed American, 0.012%; 1 homozygote.

Submissions (2):

Ambry Genetics
Classification: Uncertain significance for Hereditary cancer-predisposing syndrome. Last evaluated: 2022-10-19. Review status: criteria provided, single submitter. Criteria: Ambry General Variant Classification Scheme_2022. Collection method: clinical testing. Allele origin: germline. Observed: 1 variant allele.
Comment: The p.T84N variant (also known as c.251C>A), located in coding exon 1 of the PALLD gene, results from a C to A substitution at nucleotide position 251. The threonine at codon 84 is replaced by asparagine, an amino acid with similar properties. This amino acid position is conserved. In addition, this alteration is predicted to be tolerated by in silico analysis. Since supporting evidence is limited at this time, the clinical significance of this alteration remains unclear.

Ambry Genetics
Classification: Uncertain significance for Inborn genetic diseases. Last evaluated: 2021-09-01. Review status: criteria provided, single submitter. Criteria: Ambry General Variant Classification Scheme_2022. Collection method: clinical testing. Allele origin: germline. Observed: 1 variant allele.

NM_001166108.2(PALLD):c.251C>A (p.Thr84Asn)

Gene: PALLD (palladin, cytoskeletal associated protein; plus strand). Cytogenetic location: 4q32.3.
Variant type: single nucleotide variant.
Coding change: c.251C>A on transcript NM_001166108.2 (MANE Select); coding-DNA position 251, C replaced by A.
Protein change: p.Thr84Asn; replaces threonine 84 with asparagine.
Molecular consequence: missense variant.
Genome position (GRCh38, 1-based): chr4:168,511,755, C>A. VCF-style: chr4-168511755-C-A. GRCh37 (hg19) VCF-style: chr4-169432906-C-A.
Other names: c.251C>A, p.Thr84Asn (NM_016081.4); c.251C>A (NM_001166108.1); short protein forms T84N.
Identifiers: ClinVar variation 1792505 (VCV001792505.3), dbSNP rs116614719, ClinGen allele CA3135326.
Genomic context (GRCh38, chr4:168,511,755, plus strand): 5'-TCTCGCAGATTTTCAGTACTTCTCCTGCAAGCCTCTGTGAACATCCTTCCCATAAGGAGA[C>A]CAAATTGGGTGAACACGCCTCGAGGAGACCTCAGGATAACAGGTCAACACCTGTCCAGCC-3'
Protein context (NP_001159580.1, residues 74-94): SLCEHPSHKE[Thr84Asn]KLGEHASRRP